The following is an entry in ClinVar:

NM_000535.7(PMS2):c.1150T>G (p.Leu384Val)

Gene: PMS2 (PMS1 homolog 2, mismatch repair system component; minus strand). Cytogenetic location: 7p22.1.
Variant type: single nucleotide variant.
Coding change: c.1150T>G on transcript NM_000535.7 (MANE Select); coding-DNA position 1150, T replaced by G.
Protein change: p.Leu384Val; replaces leucine 384 with valine.
Molecular consequence: missense variant. On other transcripts: non-coding transcript variant (1), intron variant (1).
Genome position (GRCh38, 1-based): chr7:5,987,615, A>C on the plus strand (T>G on the coding strand, the complement: PMS2 is on the minus strand). VCF-style: chr7-5987615-A-C. GRCh37 (hg19) VCF-style: chr7-6027246-A-C.
Other names: c.832T>G, p.Leu278Val (NM_001322007.2, NM_001322008.2, NM_001406903.1 and 2 more transcripts); c.745T>G, p.Leu249Val (NM_001322009.2, NM_001406887.1, NM_001406888.1 and 17 more transcripts); c.589T>G, p.Leu197Val (NM_001322010.2, NM_001406906.1, NM_001406907.1); c.217T>G, p.Leu73Val (NM_001322011.2, NM_001322012.2); c.577T>G, p.Leu193Val (NM_001322013.2, NM_001406909.1); c.1150T>G, p.Leu384Val (NM_001322014.2, NM_001406871.1, NM_001406872.1); c.841T>G, p.Leu281Val (NM_001322015.2, NM_001406875.1, NM_001406877.1 and 5 more transcripts); c.1336T>G, p.Leu446Val (NM_001406866.1); and 13 more; short protein forms L226V, L328V, L73V, L193V, L197V, L272V, L276V, L318V.
Identifiers: ClinVar variation 2737146 (VCV002737146.3), dbSNP rs2128737380, ClinGen allele CA366742695.

ClinVar aggregate classification (germline): Uncertain significance (1 of 4 stars; one submission).

Conditions:
Hereditary nonpolyposis colorectal neoplasms. Identifiers: MedGen C0009405, MeSH D003123.

Submission:

Labcorp Genetics (formerly Invitae), Labcorp
Classification: Uncertain significance for Hereditary nonpolyposis colorectal neoplasms. Last evaluated: 2023-07-07. Review status: criteria provided, single submitter. Criteria: Invitae Variant Classification Sherloc (09022015). Collection method: clinical testing. Allele origin: germline.
Comment: In summary, the available evidence is currently insufficient to determine the role of this variant in disease. Therefore, it has been classified as a Variant of Uncertain Significance. Advanced modeling of protein sequence and biophysical properties (such as structural, functional, and spatial information, amino acid conservation, physicochemical variation, residue mobility, and thermodynamic stability) performed at Invitae indicates that this missense variant is not expected to disrupt PMS2 protein function. This variant has not been reported in the literature in individuals affected with PMS2-related conditions. This variant is not present in population databases (gnomAD no frequency). This sequence change replaces leucine, which is neutral and non-polar, with valine, which is neutral and non-polar, at codon 384 of the PMS2 protein (p.Leu384Val).